The following is an entry in ClinVar:

ClinVar aggregate classification (germline): Benign/Likely benign. Review status: criteria provided, multiple submitters, no conflicts (2 of 4 stars). 2 submissions from 2 submitters: Benign (1); Likely benign (1). Last evaluated 2025-07-15.

Conditions:
NYX-related disorder. Also called: NYX-related condition.

Allele frequency attached by ClinVar (database versions not stated): TOPMed 0.00003; gnomAD exomes 0.00019; ExAC 0.00024.
gnomAD v4.1: 31 of 1,196,288 alleles (0.0026%); highest among the groups gnomAD compares: Admixed American, 0.071%; no homozygotes.

Submissions (2):

PreventionGenetics, part of Exact Sciences
Classification: Likely benign for NYX-related condition. Last evaluated: 2025-07-15. Review status: criteria provided, single submitter. Criteria: ACMG Guidelines, 2015. Collection method: clinical testing. Allele origin: germline.
Comment: This variant is classified as likely benign based on ACMG/AMP sequence variant interpretation guidelines (Richards et al. 2015 PMID: 25741868, with internal and published modifications).

Labcorp Genetics (formerly Invitae), Labcorp
Classification: Benign. Last evaluated: 2023-11-29. Review status: criteria provided, single submitter. Criteria: Invitae Variant Classification Sherloc (09022015). Collection method: clinical testing. Allele origin: germline.

NM_001378477.3(NYX):c.1254G>A (p.Pro418=)

Gene: NYX (nyctalopin; plus strand). Cytogenetic location: Xp11.4.
Variant type: single nucleotide variant.
Coding change: c.1254G>A on transcript NM_001378477.3 (MANE Select); coding-DNA position 1254, G replaced by A.
Protein change: p.Pro418=; no amino-acid change (proline 418 retained).
Molecular consequence: synonymous variant.
Genome position (GRCh38, 1-based): chrX:41,474,722, G>A. VCF-style: chrX-41474722-G-A. GRCh37 (hg19) VCF-style: chrX-41333975-G-A.
Other names: c.1269G>A (NM_022567.2); c.1254G>A, p.Pro418= (NM_022567.3).
Identifiers: ClinVar variation 1574693 (VCV001574693.9), dbSNP rs779745958, ClinGen allele CA10389935.